The following is an entry in ClinVar:

NM_022166.4(XYLT1):c.256GGA[4] (p.Gly90del)

Gene: XYLT1 (xylosyltransferase 1; minus strand). Cytogenetic location: 16p12.3.
Variant type: Microsatellite.
Coding change: c.256GGA[4] on transcript NM_022166.4 (MANE Select); four copies in a row of the 3-base unit GGA starting at c.256; the reference has five copies in a row; one copy, 3 bases deleted.
Protein change: p.Gly90del; deletes glycine 90.
Genome position (GRCh38, 1-based): chr16:17,470,527-17,470,529, TCC deleted on the plus strand (GGA on the coding strand, the reverse complement: XYLT1 is on the minus strand); deleting any 3 consecutive bases within chr16:17,470,527-17,470,541 gives the same sequence; the position shown is the placement nearest the transcript's 3' end. VCF-style (leftmost placement, unchanged base first): chr16-17470526-GTCC-G. GRCh37 (hg19) VCF-style: chr16-17564383-GTCC-G.
Other names: short protein forms G90del.
Identifiers: ClinVar variation 3041309 (VCV003041309.2), dbSNP rs748140156, ClinGen allele CA7928285.

ClinVar aggregate classification (germline): Benign (0 of 4 stars; one submission).

Conditions:
XYLT1-related disorder. Also called: XYLT1-related condition.

Submission:

PreventionGenetics, part of Exact Sciences
Classification: Benign for XYLT1-related condition. Last evaluated: 2019-04-16. Review status: no assertion criteria provided. Collection method: clinical testing. Allele origin: germline.
Comment: This variant is classified as benign based on ACMG/AMP sequence variant interpretation guidelines (Richards et al. 2015 PMID: 25741868, with internal and published modifications).